The following is an entry in ClinVar:

NM_206937.2(LIG4):c.764A>G (p.Asp255Gly)

Gene: LIG4 (DNA ligase 4; minus strand). Cytogenetic location: 13q33.3.
Variant type: single nucleotide variant.
Coding change: c.764A>G on transcript NM_206937.2 (MANE Select); coding-DNA position 764, A replaced by G.
Protein change: p.Asp255Gly; replaces aspartic acid 255 with glycine.
Molecular consequence: missense variant.
Genome position (GRCh38, 1-based): chr13:108,210,505, T>C on the plus strand (A>G on the coding strand, the complement: LIG4 is on the minus strand). VCF-style: chr13-108210505-T-C. GRCh37 (hg19) VCF-style: chr13-108862853-T-C.
Other names: c.764A>G, p.Asp255Gly (NM_001098268.2, NM_001352598.2, NM_001352599.2 and 6 more transcripts); c.563A>G, p.Asp188Gly (NM_001330595.2); c.800A>G, p.Asp267Gly (NM_001352604.2); short protein forms D255G, D267G, D188G.
Identifiers: ClinVar variation 1472404 (VCV001472404.6), dbSNP rs2138978086, ClinGen allele CA388620602.
Genomic context (GRCh38, chr13:108,210,505, plus strand): 5'-TCTAGCTTGGTTTCTATGTAGAAACTCTGATGTTTCATATCCTTCTCAATGTGCTCAATA[T>C]CTGCAATAGCAGCTAGCATTGGTTTAAATGCAGAAAATAAAGTGATAGAAATATCACTGA-3'
Protein context (NP_996820.1, residues 245-265): AFKPMLAAIA[Asp255Gly]IEHIEKDMKH

ClinVar aggregate classification (germline): Uncertain significance (1 of 4 stars; one submission).

Conditions:
DNA ligase IV deficiency. Identifiers: Orphanet 99812, MedGen C1847827, MONDO:0011686, OMIM 606593.

Submission:

Labcorp Genetics (formerly Invitae), Labcorp
Classification: Uncertain significance for DNA ligase IV deficiency. Last evaluated: 2025-03-18. Review status: criteria provided, single submitter. Criteria: Invitae Variant Classification Sherloc (09022015). Collection method: clinical testing. Allele origin: germline.
Comment: This sequence change replaces aspartic acid, which is acidic and polar, with glycine, which is neutral and non-polar, at codon 255 of the LIG4 protein (p.Asp255Gly). This variant is not present in population databases (gnomAD no frequency). This variant has not been reported in the literature in individuals affected with LIG4-related conditions. ClinVar contains an entry for this variant (Variation ID: 1472404). Invitae Evidence Modeling of protein sequence and biophysical properties (such as structural, functional, and spatial information, amino acid conservation, physicochemical variation, residue mobility, and thermodynamic stability) has been performed for this missense variant. However, the output from this modeling did not meet the statistical confidence thresholds required to predict the impact of this variant on LIG4 protein function. In summary, the available evidence is currently insufficient to determine the role of this variant in disease. Therefore, it has been classified as a Variant of Uncertain Significance.